The following is an entry in ClinVar:

ClinVar aggregate classification (germline): Uncertain significance. Review status: criteria provided, multiple submitters, no conflicts (2 of 4 stars). 3 submissions from 3 submitters: Uncertain significance (3). Last evaluated 2023-04-07.

Conditions:
Long QT syndrome (LQTS). Identifiers: MedGen C0023976, MeSH D008133, MONDO:0002442. Disease mechanism: loss of function. Inheritance: Various modes of inheritance.
Timothy syndrome (TS). Also called: LONG QT SYNDROME WITH SYNDACTYLY. Identifiers: Orphanet 65283, MedGen C1832916, MeSH C536962, MONDO:0010979, OMIM 601005.

Submissions (3):

Labcorp Genetics (formerly Invitae), Labcorp
Classification: Uncertain significance for Long QT syndrome. Last evaluated: 2023-04-07. Review status: criteria provided, single submitter. Criteria: Invitae Variant Classification Sherloc (09022015). Collection method: clinical testing. Allele origin: germline.
Comment: In summary, the available evidence is currently insufficient to determine the role of this variant in disease. Therefore, it has been classified as a Variant of Uncertain Significance. Advanced modeling of protein sequence and biophysical properties (such as structural, functional, and spatial information, amino acid conservation, physicochemical variation, residue mobility, and thermodynamic stability) performed at Invitae indicates that this missense variant is expected to disrupt CACNA1C protein function. ClinVar contains an entry for this variant (Variation ID: 393134). This variant has not been reported in the literature in individuals affected with CACNA1C-related conditions. This variant is not present in population databases (gnomAD no frequency). This sequence change replaces asparagine, which is neutral and polar, with lysine, which is basic and polar, at codon 639 of the CACNA1C protein (p.Asn639Lys).

MVZ Martinsried, Medicover Genetics
Classification: Uncertain significance for Timothy syndrome. Last evaluated: 2017-04-13. Review status: criteria provided, single submitter. Criteria: ACMG Guidelines, 2015. Collection method: clinical testing. Allele origin: unknown. Affected: yes.

GeneDx
Classification: Uncertain significance. Last evaluated: 2017-01-24. Review status: criteria provided, single submitter. Criteria: GeneDx Variant Classification (06012015). Collection method: clinical testing. Allele origin: germline. Affected: yes.
Comment: The N639K variant has not been published as pathogenic or been reported as benign to our knowledge. It was not observed in large population cohorts (Lek et al., 2016; 1000 Genomes Consortium et al., 2015; Exome Variant Server). The N639K variant is a semi-conservative amino acid substitution, which may impact secondary protein structure as these residues differ in some properties. Moreover, this substitution occurs at a position that is conserved across species, and in silico analysis predicts this variant is probably damaging to the protein structure/function. Nonetheless, this variant lacks observation in a significant number of affected individuals, segregation data, and functional evidence, all of which would further clarify pathogenicity.

NM_000719.7(CACNA1C):c.1917C>G (p.Asn639Lys)

Gene: CACNA1C (calcium voltage-gated channel subunit alpha1 C; plus strand). Cytogenetic location: 12p13.33.
Variant type: single nucleotide variant.
Coding change: c.1917C>G on transcript NM_000719.7 (MANE Select); coding-DNA position 1917, C replaced by G.
Protein change: p.Asn639Lys; replaces asparagine 639 with lysine.
Molecular consequence: missense variant.
Genome position (GRCh38, 1-based): chr12:2,581,611, C>G. VCF-style: chr12-2581611-C-G. GRCh37 (hg19) VCF-style: chr12-2690777-C-G.
Other names: c.1917C>G, p.Asn639Lys (NM_001129836.2, NM_001129837.2, NM_001129838.2 and 18 more transcripts); c.1908C>G, p.Asn636Lys (NM_001129844.2); short protein forms N639K, N636K.
Identifiers: ClinVar variation 393134 (VCV000393134.5), dbSNP rs1057524804, ClinGen allele CA16606579.
Genomic context (GRCh38, chr12:2,581,611, plus strand): 5'-AAGGGGCAGAGTGCTGACCTCCCTCCTGTTGGCTCTCAGGTACTGGAACTCCTTGAGCAA[C>G]CTGGTGGCATCCTTGCTGAACTCTGTGCGCTCCATCGCCTCCCTGCTCCTTCTCCTCTTC-3'
Protein context (NP_000710.5, residues 629-649): KITRYWNSLS[Asn639Lys]LVASLLNSVR